The following is an entry in ClinVar:

ClinVar aggregate classification (germline): Likely pathogenic (1 of 4 stars; one submission).

Allele frequency attached by ClinVar (database versions not stated): gnomAD 0.00001.
gnomAD v4.1: 1 of 1,612,330 alleles (0.000062%); highest among the groups gnomAD compares: African/African-American, 0.0013%; no homozygotes.

Submission:

Labcorp Genetics (formerly Invitae), Labcorp
Classification: Likely pathogenic. Last evaluated: 2023-12-15. Review status: criteria provided, single submitter. Criteria: Invitae Variant Classification Sherloc (09022015). Collection method: clinical testing. Allele origin: germline.
Comment: This sequence change affects a donor splice site in intron 17 of the MAPKBP1 gene. It is expected to disrupt RNA splicing. Variants that disrupt the donor or acceptor splice site typically lead to a loss of protein function (PMID: 16199547), and loss-of-function variants in MAPKBP1 are known to be pathogenic (PMID: 28089251). This variant is present in population databases (no rsID available, gnomAD 0.01%). This variant has not been reported in the literature in individuals affected with MAPKBP1-related conditions. Algorithms developed to predict the effect of sequence changes on RNA splicing suggest that this variant may disrupt the consensus splice site. In summary, the currently available evidence indicates that the variant is pathogenic, but additional data are needed to prove that conclusively. Therefore, this variant has been classified as Likely Pathogenic.

Literature cited by the submitters: PubMed 16199547; PubMed 28089251.

NM_014994.3(MAPKBP1):c.1904+1G>A

Gene: MAPKBP1 (mitogen-activated protein kinase binding protein 1; plus strand). Cytogenetic location: 15q15.1.
Variant type: single nucleotide variant.
Coding change: c.1904+1G>A on transcript NM_014994.3 (MANE Select); the canonical splice donor site of the intron after coding-DNA position 1904, G replaced by A.
Molecular consequence: splice donor variant.
Genome position (GRCh38, 1-based): chr15:41,817,736, G>A. VCF-style: chr15-41817736-G-A. GRCh37 (hg19) VCF-style: chr15-42109934-G-A.
Other names: c.1922+1G>A (NM_001128608.2); c.1904+1G>A (NM_001265611.2).
Identifiers: ClinVar variation 2810405 (VCV002810405.3), dbSNP rs1301664794, ClinGen allele CA391864246.
Genomic context (GRCh38, chr15:41,817,736, plus strand): 5'-CATGGATGTGGAGCCCAGCTGGAAGTACACGGCTATCGGCTGCCAGGACCGAAATATTCG[G>A]TGGGCGTCCCCTCCTCAGACTCTGCCCACATTCCTTCATCTCCCTACGGGGTCAGCTCTG-3'